The following is an entry in ClinVar:

NM_001457.4(FLNB):c.3409G>T (p.Val1137Leu)

Gene: FLNB (filamin B; plus strand). Cytogenetic location: 3p14.3.
Variant type: single nucleotide variant.
Coding change: c.3409G>T on transcript NM_001457.4 (MANE Select); coding-DNA position 3409, G replaced by T.
Protein change: p.Val1137Leu; replaces valine 1137 with leucine.
Molecular consequence: missense variant.
Genome position (GRCh38, 1-based): chr3:58,123,375, G>T. VCF-style: chr3-58123375-G-T. GRCh37 (hg19) VCF-style: chr3-58109102-G-T.
Other names: c.3409G>T, p.Val1137Leu (NM_001164317.2, NM_001164318.2, NM_001164319.2); c.3409G>T (NM_001457.3); short protein forms V1137L.
Identifiers: ClinVar variation 1445011 (VCV001445011.13), dbSNP rs150475174, ClinGen allele CA2468406.
Genomic context (GRCh38, chr3:58,123,375, plus strand): 5'-CACATACCTGGGTCTCCCTTCAAAGCTGACATTGAAATGCCCTTTGACCCCTCTAAAGTC[G>T]TGGCATCGGGGCCAGGTCTCGAGCACGGGAAGGTGGGTGAAGCTGGCCTCCTTAGCGTCG-3'
Protein context (NP_001448.2, residues 1127-1147): IEMPFDPSKV[Val1137Leu]ASGPGLEHGK

ClinVar aggregate classification (germline): Uncertain significance. Review status: criteria provided, multiple submitters, no conflicts (2 of 4 stars). 3 submissions from 3 submitters: Uncertain significance (3). Last evaluated 2025-12-18.

Conditions:
Inborn genetic diseases. Identifiers: MedGen C0950123, MeSH D030342.

Allele frequency attached by ClinVar (database versions not stated): ESP Exome Variant Server 0.00008.
gnomAD v4.1: 130 of 1,613,958 alleles (0.0081%); highest among the groups gnomAD compares: Non-Finnish European, 0.01%; no homozygotes.

Submissions (3):

Labcorp Genetics (formerly Invitae), Labcorp
Classification: Uncertain significance. Last evaluated: 2025-12-18. Review status: criteria provided, single submitter. Criteria: Invitae Variant Classification Sherloc (09022015). Collection method: clinical testing. Allele origin: germline.
Comment: This sequence change replaces valine, which is neutral and non-polar, with leucine, which is neutral and non-polar, at codon 1137 of the FLNB protein (p.Val1137Leu). This variant is present in population databases (rs150475174, gnomAD 0.006%). This variant has not been reported in the literature in individuals affected with FLNB-related conditions. ClinVar contains an entry for this variant (Variation ID: 1445011). Invitae Evidence Modeling of protein sequence and biophysical properties (such as structural, functional, and spatial information, amino acid conservation, physicochemical variation, residue mobility, and thermodynamic stability) indicates that this missense variant is not expected to disrupt FLNB protein function with a negative predictive value of 95%. In summary, the available evidence is currently insufficient to determine the role of this variant in disease. Therefore, it has been classified as a Variant of Uncertain Significance.

Ambry Genetics
Classification: Uncertain significance for Inborn genetic diseases. Last evaluated: 2025-08-27. Review status: criteria provided, single submitter. Criteria: Ambry Variant Classification Scheme 2023. Collection method: clinical testing. Allele origin: germline.

GeneDx
Classification: Uncertain significance. Last evaluated: 2024-08-30. Review status: criteria provided, single submitter. Criteria: GeneDx Variant Classification Process June 2021. Collection method: clinical testing. Allele origin: germline. Affected: yes.
Comment: In silico analysis indicates that this missense variant does not alter protein structure/function; Has not been previously published as pathogenic or benign to our knowledge